The following is an entry in ClinVar:

NM_006379.5(SEMA3C):c.78A>G (p.Gln26=)

Gene: SEMA3C (semaphorin 3C; minus strand). Cytogenetic location: 7q21.11.
Variant type: single nucleotide variant.
Coding change: c.78A>G on transcript NM_006379.5 (MANE Select); coding-DNA position 78, A replaced by G.
Protein change: p.Gln26=; no amino-acid change (glutamine 26 retained).
Molecular consequence: synonymous variant. On other transcripts: 5 prime UTR variant (1).
Genome position (GRCh38, 1-based): chr7:80,916,704, T>C on the plus strand (A>G on the coding strand, the complement: SEMA3C is on the minus strand). VCF-style: chr7-80916704-T-C. GRCh37 (hg19) VCF-style: chr7-80546020-T-C.
Other names: c.132A>G, p.Gln44= (NM_001350120.2); c.-185A>G (NM_001350121.2).
Identifiers: ClinVar variation 3046822 (VCV003046822.2), dbSNP rs761461055, ClinGen allele CA4316605.

ClinVar aggregate classification (germline): Likely benign (0 of 4 stars; one submission).

Conditions:
SEMA3C-related disorder. Also called: SEMA3C-related condition.

Allele frequency attached by ClinVar (database versions not stated): gnomAD exomes below 0.00001; ExAC 0.00001.
gnomAD v4.1: 5 of 1,611,944 alleles (0.00031%); highest among the groups gnomAD compares: Admixed American, 0.0084%; no homozygotes.

Submission:

PreventionGenetics, part of Exact Sciences
Classification: Likely benign for SEMA3C-related condition. Last evaluated: 2022-07-05. Review status: no assertion criteria provided. Collection method: clinical testing. Allele origin: germline.
Comment: This variant is classified as likely benign based on ACMG/AMP sequence variant interpretation guidelines (Richards et al. 2015 PMID: 25741868, with internal and published modifications).